The following is an entry in ClinVar:

NM_001134363.3(RBM20):c.846_853del (p.Tyr283fs)

Gene: RBM20 (RNA binding motif protein 20; plus strand). Cytogenetic location: 10q25.2.
Variant type: Deletion.
Coding change: c.846_853del on transcript NM_001134363.3 (MANE Select); coding-DNA positions 846 to 853, 8 bases deleted (TTACGGAC; older notation c.846_853delTTACGGAC).
Protein change: p.Tyr283fs; shifts the reading frame from tyrosine 283.
Molecular consequence: frameshift variant.
Genome position (GRCh38, 1-based): chr10:110,781,455-110,781,462, TTACGGAC deleted. VCF-style (leftmost placement, unchanged base first): chr10-110781454-TTTACGGAC-T. GRCh37 (hg19) VCF-style: chr10-112541212-TTTACGGAC-T.
Other names: short protein forms Y283fs.
Identifiers: ClinVar variation 4737609 (VCV004737609.1).

ClinVar aggregate classification (germline): Pathogenic (1 of 4 stars; one submission).

Conditions:
Dilated cardiomyopathy 1DD (CMD1DD). Identifiers: Orphanet 154, MedGen C2750995, MONDO:0013168, OMIM 613172.

Submission:

Labcorp Genetics (formerly Invitae), Labcorp
Classification: Pathogenic for Dilated cardiomyopathy 1DD. Last evaluated: 2025-11-21. Review status: criteria provided, single submitter. Criteria: Invitae Variant Classification Sherloc (09022015). Collection method: clinical testing. Allele origin: germline.
Comment: This sequence change creates a premature translational stop signal (p.Tyr283Glnfs*14) in the RBM20 gene. It is expected to result in an absent or disrupted protein product. Loss-of-function variants in RBM20 are known to be pathogenic (PMID: 20590677, 22004663, 38288598, 38510713, 40339755). This variant is not present in population databases (gnomAD no frequency). This premature translational stop signal has been observed in individual(s) with noncompaction cardiomyopathy (PMID: 29447731). For these reasons, this variant has been classified as Pathogenic.

Literature cited by the submitters: PubMed 20590677; PubMed 22004663; PubMed 38288598; PubMed 38510713; PubMed 40339755; PubMed 29447731.